The following is an entry in ClinVar:

NM_001282531.3(ADNP):c.2836A>G (p.Thr946Ala)

Gene: ADNP (activity dependent neuroprotector homeobox; minus strand). Cytogenetic location: 20q13.13.
Variant type: single nucleotide variant.
Coding change: c.2836A>G on transcript NM_001282531.3 (MANE Select); coding-DNA position 2836, A replaced by G.
Protein change: p.Thr946Ala; replaces threonine 946 with alanine.
Molecular consequence: missense variant.
Genome position (GRCh38, 1-based): chr20:50,891,878, T>C on the plus strand (A>G on the coding strand, the complement: ADNP is on the minus strand). VCF-style: chr20-50891878-T-C. GRCh37 (hg19) VCF-style: chr20-49508415-T-C.
Other names: c.2836A>G, p.Thr946Ala (NM_001282532.2, NM_001347511.2, NM_015339.5 and 1 more transcripts); short protein forms T946A.
Identifiers: ClinVar variation 2507780 (VCV002507780.7), dbSNP rs551485241, ClinGen allele CA9908510.

ClinVar aggregate classification (germline): Conflicting classifications of pathogenicity. Review status: criteria provided, conflicting classifications (1 of 4 stars). 4 submissions from 4 submitters: Uncertain significance (2); Benign (1); Likely benign (1). Last evaluated 2026-06-18.

Conditions:
Inborn genetic diseases. Identifiers: MedGen C0950123, MeSH D030342.
ADNP-related multiple congenital anomalies - intellectual disability - autism spectrum disorder. Also called: Helsmoortel-Van der Aa Syndrome; ADNP-Related Helsmoortel-Van der Aa Syndrome. Identifiers: Orphanet 404448, MedGen C4014538, MONDO:0014379, OMIM 615873. Disease mechanism: loss of function.

Allele frequency attached by ClinVar (database versions not stated): ExAC 0.00006; gnomAD exomes 0.00002; TOPMed 0.00004.
gnomAD v4.1: 43 of 1,614,250 alleles (0.0027%); highest among the groups gnomAD compares: Admixed American, 0.0033%; no homozygotes.

Submissions (4):

Women's Health and Genetics/Laboratory Corporation of America, LabCorp
Classification: Uncertain significance. Last evaluated: 2026-06-18. Review status: criteria provided, single submitter. Criteria: LabCorp Variant Classification Summary - May 2015. Collection method: clinical testing. Allele origin: germline.
Comment: Variant summary: ADNP c.2836A>G (p.Thr946Ala) results in a non-conservative amino acid change in the encoded protein sequence. Algorithms developed to predict the effect of missense changes on protein structure and function are either unavailable or do not agree on the potential impact of this missense change. The variant allele was found at a frequency of 3.2e-05 in 251418 control chromosomes. The available data on variant occurrences in the general population are insufficient to allow any conclusion about variant significance. To our knowledge, no occurrence of c.2836A>G in individuals affected with ADNP-related conditions and no experimental evidence demonstrating its impact on protein function have been reported. ClinVar contains an entry for this variant (Variation ID: 2507780). Based on the evidence outlined above, the variant was classified as uncertain significance.

Fulgent Genetics
Classification: Uncertain significance for ADNP-related multiple congenital anomalies - intellectual disability - autism spectrum disorder. Last evaluated: 2024-05-02. Review status: criteria provided, single submitter. Criteria: ACMG Guidelines, 2015. Collection method: clinical testing. Allele origin: germline.

Labcorp Genetics (formerly Invitae), Labcorp
Classification: Benign. Last evaluated: 2023-12-22. Review status: criteria provided, single submitter. Criteria: Invitae Variant Classification Sherloc (09022015). Collection method: clinical testing. Allele origin: germline.

Ambry Genetics
Classification: Likely benign for Inborn genetic diseases. Last evaluated: 2023-05-08. Review status: criteria provided, single submitter. Criteria: Ambry Variant Classification Scheme 2023. Collection method: clinical testing. Allele origin: germline.